The following is an entry in ClinVar:

ClinVar aggregate classification (germline): Uncertain significance (1 of 4 stars; one submission).

Allele frequency attached by ClinVar (database versions not stated): gnomAD exomes below 0.00001.
gnomAD v4.1: 1 of 1,614,108 alleles (0.000062%); highest among the groups gnomAD compares: South Asian, 0.0011%; no homozygotes.

Submission:

Laboratory for Molecular Medicine, Mass General Brigham Personalized Medicine
Classification: Uncertain significance. Last evaluated: 2018-10-16. Review status: criteria provided, single submitter. Criteria: LMM Criteria. Collection method: clinical testing. Allele origin: germline. Observed: 1 variant allele.
Comment: The p.Tyr305Cys variant in WHRN has not been previously reported in individuals with hearing loss or Usher syndrome and was absent from large population studies . Computational prediction tools and conservation analysis suggest that this var iant may impact the protein, though this information is not predictive enough to determine pathogenicity. In summary, the clinical significance of the p.Tyr305C ys variant is uncertain. ACMG/AMP Criteria applied: PM2, PP3.

NM_015404.4(WHRN):c.914A>G (p.Tyr305Cys)

Gene: WHRN (whirlin; minus strand). Cytogenetic location: 9q32.
Variant type: single nucleotide variant.
Coding change: c.914A>G on transcript NM_015404.4 (MANE Select); coding-DNA position 914, A replaced by G.
Protein change: p.Tyr305Cys; replaces tyrosine 305 with cysteine.
Molecular consequence: missense variant. On other transcripts: 5 prime UTR variant (1).
Genome position (GRCh38, 1-based): chr9:114,466,316, T>C on the plus strand (A>G on the coding strand, the complement: WHRN is on the minus strand). VCF-style: chr9-114466316-T-C. GRCh37 (hg19) VCF-style: chr9-117228596-T-C.
Other names: c.-236A>G (NM_001083885.3); c.914A>G, p.Tyr305Cys (NM_001173425.2); short protein forms Y305C.
Identifiers: ClinVar variation 667360 (VCV000667360.4), dbSNP rs1589199689, ClinGen allele CA374619532.